The following is an entry in ClinVar:

NM_000059.4(BRCA2):c.4721_4725del (p.Lys1574fs)

Gene: BRCA2 (BRCA2 DNA repair associated; plus strand). Cytogenetic location: 13q13.1.
Variant type: Deletion.
Coding change: c.4721_4725del on transcript NM_000059.4 (MANE Select); coding-DNA positions 4721 to 4725, 5 bases deleted (AAGAC; older notation c.4721_4725delAAGAC).
Protein change: p.Lys1574fs; shifts the reading frame from lysine 1574.
Molecular consequence: frameshift variant.
Genome position (GRCh38, 1-based): chr13:32,339,076-32,339,080, AAGAC deleted. VCF-style (leftmost placement, unchanged base first): chr13-32339075-AAAGAC-A. GRCh37 (hg19) VCF-style: chr13-32913212-AAAGAC-A.
Other names: short protein forms K1574fs.
Identifiers: ClinVar variation 825124 (VCV000825124.4), dbSNP rs1593903272, ClinGen allele CA915948470.

ClinVar aggregate classification (germline): Pathogenic (1 of 4 stars; one submission).

Conditions:
Hereditary cancer-predisposing syndrome. Also called: Neoplastic Syndromes, Hereditary; Tumor predisposition; Hereditary neoplastic syndrome; Hereditary Cancer Syndrome. Identifiers: Orphanet 140162, MedGen C0027672, MeSH D009386, MONDO:0015356.

Submission:

Ambry Genetics
Classification: Pathogenic for Hereditary cancer-predisposing syndrome. Last evaluated: 2018-10-05. Review status: criteria provided, single submitter. Criteria: Ambry Variant Classification Scheme 2023. Collection method: clinical testing. Allele origin: germline.
Comment: The c.4721_4725delAAGAC pathogenic mutation, located in coding exon 10 of the BRCA2 gene, results from a deletion of 5 nucleotides at nucleotide positions 4721 to 4725, causing a translational frameshift with a predicted alternate stop codon (p.K1574Tfs*2). This alteration is expected to result in loss of function by premature protein truncation or nonsense-mediated mRNA decay. As such, this alteration is interpreted as a disease-causing mutation.